The following is an entry in ClinVar:

ClinVar aggregate classification (germline): Pathogenic/Likely pathogenic. Review status: criteria provided, multiple submitters, no conflicts (2 of 4 stars). 2 submissions from 2 submitters: Pathogenic (1); Likely pathogenic (1). Last evaluated 2025-11-23.

Conditions:
COL2A1-related disorder. Also called: COL2A1-related condition; COL2A1-related disorders.

Submissions (2):

Labcorp Genetics (formerly Invitae), Labcorp
Classification: Pathogenic. Last evaluated: 2025-11-23. Review status: criteria provided, single submitter. Criteria: Invitae Variant Classification Sherloc (09022015). Collection method: clinical testing. Allele origin: germline.
Comment: This sequence change affects a donor splice site in intron 38 of the COL2A1 gene. It is expected to disrupt RNA splicing. Variants that disrupt the donor or acceptor splice site typically lead to a loss of protein function (PMID: 16199547), and loss-of-function variants in COL2A1 are known to be pathogenic (PMID: 20179744). This variant is not present in population databases (gnomAD no frequency). Disruption of this splice site has been observed in individual(s) with Stickler syndrome (PMID: 20513134, 37798099). ClinVar contains an entry for this variant (Variation ID: 3729389). Algorithms developed to predict the effect of sequence changes on RNA splicing suggest that this variant may disrupt the consensus splice site. For these reasons, this variant has been classified as Pathogenic.

Blueprint Genetics
Classification: Likely pathogenic for COL2A1-related disorders. Last evaluated: 2019-11-22. Review status: criteria provided, single submitter. Criteria: ACMG Guidelines, 2015. Collection method: clinical testing. Allele origin: germline. Affected: yes. Observed: 1 variant allele.

Literature cited by the submitters: PubMed 16199547 (cited by Labcorp Genetics (formerly Invitae), Labcorp); PubMed 20179744 (cited by Labcorp Genetics (formerly Invitae), Labcorp); PubMed 20513134 (cited by Labcorp Genetics (formerly Invitae), Labcorp); PubMed 37798099 (cited by Labcorp Genetics (formerly Invitae), Labcorp).

NM_001844.5(COL2A1):c.2517+1G>A

Gene: COL2A1 (collagen type II alpha 1 chain; minus strand). Cytogenetic location: 12q13.11.
Variant type: single nucleotide variant.
Coding change: c.2517+1G>A on transcript NM_001844.5 (MANE Select); the canonical splice donor site of the intron after coding-DNA position 2517, G replaced by A.
Molecular consequence: splice donor variant.
Genome position (GRCh38, 1-based): chr12:47,980,914, C>T on the plus strand (G>A on the coding strand, the complement: COL2A1 is on the minus strand). VCF-style: chr12-47980914-C-T. GRCh37 (hg19) VCF-style: chr12-48374697-C-T.
Other names: c.2310+1G>A (NM_033150.3).
Identifiers: ClinVar variation 3729389 (VCV003729389.3).
Genomic context (GRCh38, chr12:47,980,914, plus strand): 5'-GGTGCTGGATGTGGAACTGGCCTGAGTGGAGGGACCCAGGAGGATGGACAGAGATACTCA[C>T]AGGAGGCCCAGCAAATCCCGCTGGTCCGGGGGGCCCAGTCTCTCCACGTTCACCCTGTGA-3'